The following is an entry in ClinVar:

NM_000459.5(TEK):c.3263T>C (p.Ile1088Thr)

Gene: TEK (TEK receptor tyrosine kinase; plus strand). Cytogenetic location: 9p21.2.
Variant type: single nucleotide variant.
Coding change: c.3263T>C on transcript NM_000459.5 (MANE Select); coding-DNA position 3263, T replaced by C.
Protein change: p.Ile1088Thr; replaces isoleucine 1088 with threonine.
Molecular consequence: missense variant.
Genome position (GRCh38, 1-based): chr9:27,228,268, T>C. VCF-style: chr9-27228268-T-C. GRCh37 (hg19) VCF-style: chr9-27228266-T-C.
Other names: c.3134T>C, p.Ile1045Thr (NM_001290077.2); c.2819T>C, p.Ile940Thr (NM_001290078.2); c.3260T>C, p.Ile1087Thr (NM_001375475.1); c.3131T>C, p.Ile1044Thr (NM_001375476.1); short protein forms I1044T, I1045T, I1087T, I1088T, I940T.
Identifiers: ClinVar variation 1333535 (VCV001333535.2), dbSNP rs748930375, ClinGen allele CA5016805.

ClinVar aggregate classification (germline): Uncertain significance. Review status: criteria provided, single submitter (1 of 4 stars). 2 submissions from 2 submitters: Uncertain significance (1). 1 of the submissions does not count toward it. Last evaluated 2022-01-03.

Conditions:
Glaucoma 3, primary congenital, E (GLC3E). Identifiers: MedGen C4310639, MONDO:0014998, OMIM 617272.

Allele frequency attached by ClinVar (database versions not stated): gnomAD exomes below 0.00001 and 0.00001; ExAC 0.00001; TOPMed 0.00001.
gnomAD v4.1: 3 of 1,612,906 alleles (0.00019%); highest among the groups gnomAD compares: Admixed American, 0.005%; no homozygotes.

Submissions (2):

3billion
Classification: Uncertain significance for Glaucoma 3, primary congenital, E. Last evaluated: 2022-01-03. Review status: criteria provided, single submitter. Criteria: ACMG Guidelines, 2015. Collection method: clinical testing. Allele origin: germline. Affected: yes. Observed: 1 heterozygote.
Comment: The variant is observed at an extremely low frequency in the gnomAD v2.1.1 dataset (total allele frequency: 0.000004, PM2_M). In silico tool predictions suggest damaging effect of the variant on gene or gene product (REVEL: 0.887, PP3_P). Therefore, this variant is classified as uncertain significance according to the recommendation of ACMG/AMP guideline.

Ophthalmo-Genetics Lab, Instituto de Oftalmologia Conde de Valenciana
Classification: Uncertain significance for Glaucoma 3, primary congenital, E. Review status: no assertion criteria provided. Collection method: research. Allele origin: germline. Inheritance: Sporadic. Affected: yes. Not counted in ClinVar's aggregate classification.

Literature cited by the submitters: DOI 10.3389/fgene.2021.764509 (cited by Ophthalmo-Genetics Lab, Instituto de Oftalmologia Conde de Valenciana).